The following is an entry in ClinVar:

NM_004304.5(ALK):c.4490A>G (p.Asn1497Ser)

Gene: ALK (ALK receptor tyrosine kinase; minus strand). Cytogenetic location: 2p23.2.
Variant type: single nucleotide variant.
Coding change: c.4490A>G on transcript NM_004304.5 (MANE Select); coding-DNA position 4490, A replaced by G.
Protein change: p.Asn1497Ser; replaces asparagine 1497 with serine.
Molecular consequence: missense variant.
Genome position (GRCh38, 1-based): chr2:29,193,597, T>C on the plus strand (A>G on the coding strand, the complement: ALK is on the minus strand). VCF-style: chr2-29193597-T-C. GRCh37 (hg19) VCF-style: chr2-29416463-T-C.
Other names: c.1286A>G, p.Asn429Ser (NM_001353765.2); short protein forms N429S, N1497S.
Identifiers: ClinVar variation 2133297 (VCV002133297.4), dbSNP rs2148138135, ClinGen allele CA346461260.

ClinVar aggregate classification (germline): Uncertain significance (1 of 4 stars; one submission).

Conditions:
Neuroblastoma, susceptibility to, 3. Also called: ALK-Related Neuroblastic Tumor Susceptibility. Identifiers: Orphanet 635, MedGen C2751681, MONDO:0013083, OMIM 613014.

Submission:

Labcorp Genetics (formerly Invitae), Labcorp
Classification: Uncertain significance for Neuroblastoma, susceptibility to, 3. Last evaluated: 2022-05-03. Review status: criteria provided, single submitter. Criteria: Invitae Variant Classification Sherloc (09022015). Collection method: clinical testing. Allele origin: germline.
Comment: This variant has not been reported in the literature in individuals affected with ALK-related conditions. This sequence change replaces asparagine, which is neutral and polar, with serine, which is neutral and polar, at codon 1497 of the ALK protein (p.Asn1497Ser). This variant is not present in population databases (gnomAD no frequency). Algorithms developed to predict the effect of missense changes on protein structure and function are either unavailable or do not agree on the potential impact of this missense change (SIFT: "Deleterious"; PolyPhen-2: "Probably Damaging"; Align-GVGD: "Class C0"). In summary, the available evidence is currently insufficient to determine the role of this variant in disease. Therefore, it has been classified as a Variant of Uncertain Significance.